The following is an entry in ClinVar:

ClinVar aggregate classification (germline): Benign (0 of 4 stars; one submission).

Conditions:
NHLRC2-related disorder. Also called: NHLRC2-related condition.

Allele frequency attached by ClinVar (database versions not stated): 1000 Genomes Project 30x 0.21455; 1000 Genomes Project 0.22344; TOPMed 0.23789; ESP Exome Variant Server 0.23881; gnomAD 0.25053; ExAC 0.27202; gnomAD exomes 0.27975.

Submission:

PreventionGenetics, part of Exact Sciences
Classification: Benign for NHLRC2-related condition. Last evaluated: 2019-10-21. Review status: no assertion criteria provided. Collection method: clinical testing. Allele origin: germline.
Comment: This variant is classified as benign based on ACMG/AMP sequence variant interpretation guidelines (Richards et al. 2015 PMID: 25741868, with internal and published modifications).

NM_198514.4(NHLRC2):c.940G>A (p.Val314Ile)

Gene: NHLRC2 (NHL repeat containing 2; plus strand). Cytogenetic location: 10q25.3.
Variant type: single nucleotide variant.
Coding change: c.940G>A on transcript NM_198514.4 (MANE Select); coding-DNA position 940, G replaced by A.
Protein change: p.Val314Ile; replaces valine 314 with isoleucine.
Molecular consequence: missense variant.
Genome position (GRCh38, 1-based): chr10:113,884,281, G>A. VCF-style: chr10-113884281-G-A. GRCh37 (hg19) VCF-style: chr10-115644040-G-A.
Other names: short protein forms V314I.
Identifiers: ClinVar variation 3059194 (VCV003059194.2), dbSNP rs7913176, ClinGen allele CA5697895.
Genomic context (GRCh38, chr10:113,884,281, plus strand): 5'-TGCATAAAACCATCCTTTGAATTTCTATAGATTGACCTAGAAGCTGAGAAGGTGAGCACT[G>A]TAGCTGGTATTGGAATTCAAGGTACAGATAAAGAAGGTGGAGCAAAAGGAGAACAACAAC-3'
Protein context (NP_940916.2, residues 304-324): IDLEAEKVST[Val314Ile]AGIGIQGTDK